The following is an entry in ClinVar:

NM_001384317.1(ZHX3):c.2658A>G (p.Lys886=)

Gene: ZHX3 (zinc fingers and homeoboxes 3; minus strand). Cytogenetic location: 20q12.
Variant type: single nucleotide variant.
Coding change: c.2658A>G on transcript NM_001384317.1 (MANE Select); coding-DNA position 2658, A replaced by G.
Protein change: p.Lys886=; no amino-acid change (lysine 886 retained).
Molecular consequence: synonymous variant. On other transcripts: intron variant (1).
Genome position (GRCh38, 1-based): chr20:41,202,259, T>C on the plus strand (A>G on the coding strand, the complement: ZHX3 is on the minus strand). VCF-style: chr20-41202259-T-C. GRCh37 (hg19) VCF-style: chr20-39830899-T-C.
Other names: c.2658A>G, p.Lys886= (NM_001384315.1, NM_001384316.1, NM_001384318.1 and 7 more transcripts); c.2634+24A>G (NM_001384324.1); c.2658A>G (NM_015035.3).
Identifiers: ClinVar variation 1641680 (VCV001641680.10), dbSNP rs34229622, ClinGen allele CA9859757.

ClinVar aggregate classification (germline): Benign. Review status: criteria provided, single submitter (1 of 4 stars). 2 submissions from 2 submitters: Benign (1). 1 of the submissions does not count toward it. Last evaluated 2025-11-14.

Conditions:
ZHX3-related disorder. Also called: ZHX3-related condition.

Allele frequency attached by ClinVar (database versions not stated): gnomAD 0.00352 and 0.00372; 1000 Genomes Project 30x 0.00547; ESP Exome Variant Server 0.00438; 1000 Genomes Project 0.00539; gnomAD exomes 0.00094; ExAC 0.00110.
gnomAD v4.1: 1,137 of 1,614,092 alleles (0.07%); highest among the groups gnomAD compares: African/African-American, 1.4%; 9 homozygotes.

Submissions (2):

Labcorp Genetics (formerly Invitae), Labcorp
Classification: Benign. Last evaluated: 2025-11-14. Review status: criteria provided, single submitter. Criteria: Invitae Variant Classification Sherloc (09022015). Collection method: clinical testing. Allele origin: germline.

PreventionGenetics, part of Exact Sciences
Classification: Benign for ZHX3-related condition. Last evaluated: 2019-03-29. Review status: no assertion criteria provided. Collection method: clinical testing. Allele origin: germline. Not counted in ClinVar's aggregate classification.
Comment: This variant is classified as benign based on ACMG/AMP sequence variant interpretation guidelines (Richards et al. 2015 PMID: 25741868, with internal and published modifications).